The following is an entry in ClinVar:

NM_000455.5(STK11):c.1218G>A (p.Ala406=)

Gene: STK11 (serine/threonine kinase 11; plus strand). Cytogenetic location: 19p13.3.
Variant type: single nucleotide variant.
Coding change: c.1218G>A on transcript NM_000455.5 (MANE Select); coding-DNA position 1218, G replaced by A.
Protein change: p.Ala406=; no amino-acid change (alanine 406 retained).
Molecular consequence: synonymous variant.
Genome position (GRCh38, 1-based): chr19:1,226,563, G>A. VCF-style: chr19-1226563-G-A. GRCh37 (hg19) VCF-style: chr19-1226562-G-A.
Identifiers: ClinVar variation 184084 (VCV000184084.23), dbSNP rs769772524, ClinGen allele CA022482.

ClinVar aggregate classification (germline): Benign/Likely benign. Review status: criteria provided, multiple submitters, no conflicts (2 of 4 stars). 8 submissions from 8 submitters: Benign (1); Likely benign (6). 1 of the submissions does not count toward it. Last evaluated 2026-08-01.

Conditions:
STK11-related disorder. Also called: STK11-related condition.
Hereditary cancer-predisposing syndrome. Also called: Hereditary neoplastic syndrome; Tumor predisposition; Neoplastic Syndromes, Hereditary; Hereditary Cancer Syndrome. Identifiers: Orphanet 140162, MedGen C0027672, MeSH D009386, MONDO:0015356.
Peutz-Jeghers syndrome (PJS). Also called: POLYPOSIS, HAMARTOMATOUS INTESTINAL; POLYPS-AND-SPOTS SYNDROME; Peutz-Jeghers polyposis; Periorificial lentiginosis syndrome. Identifiers: Orphanet 2869, MedGen C0031269, MeSH D010580, MONDO:0008280, OMIM 175200.

Allele frequency attached by ClinVar (database versions not stated): gnomAD exomes 0.00001; TOPMed 0.00001; ExAC 0.00004.
gnomAD v4.1: 15 of 1,592,314 alleles (0.00094%); highest among the groups gnomAD compares: East Asian, 0.0069%; 1 homozygote.

Submissions (8):

CeGaT Center for Human Genetics Tuebingen
Classification: Likely benign. Last evaluated: 2026-08-01. Review status: criteria provided, single submitter. Criteria: CeGaT Center For Human Genetics Tuebingen Variant Classification Criteria Version 2. Collection method: clinical testing. Allele origin: germline. Affected: yes. Observed: 1 variant allele.
Comment: STK11: BP4, BP7

Labcorp Genetics (formerly Invitae), Labcorp
Classification: Likely benign for Peutz-Jeghers syndrome. Last evaluated: 2025-07-21. Review status: criteria provided, single submitter. Criteria: Invitae Variant Classification Sherloc (09022015). Collection method: clinical testing. Allele origin: germline.

Myriad Genetics, Inc.
Classification: Benign for Peutz-Jeghers syndrome. Last evaluated: 2025-03-31. Review status: criteria provided, single submitter. Criteria: Myriad Autosomal Dominant, Autosomal Recessive and X-Linked Classification Criteria (2023). Collection method: clinical testing. Allele origin: unknown.
Comment: This variant is considered benign. This variant is a silent/synonymous amino acid change and it is not expected to impact splicing.

All of Us Research Program, National Institutes of Health
Classification: Likely benign for Peutz-Jeghers syndrome. Last evaluated: 2024-08-29. Review status: criteria provided, single submitter. Criteria: ACMG Guidelines, 2015. Collection method: clinical testing. Allele origin: germline. Inheritance: Autosomal dominant inheritance. Observed: 1 variant allele, 1 heterozygote.
Comment: This study involves interpretation of variants in research participants for the purpose of population health screening. Participant phenotype was not available at the time of variant classification. Additional details can be found in publication PMID: 35346344, PMCID: PMC8962531

Department of Pathology and Laboratory Medicine, Sinai Health System
Classification: Likely benign for Peutz-Jeghers syndrome. Last evaluated: 2022-02-23. Review status: criteria provided, single submitter. Criteria: ACMG Guidelines, 2015. Collection method: clinical testing. Allele origin: germline. Affected: yes.

Color Diagnostics, LLC DBA Color Health
Classification: Likely benign for Hereditary cancer-predisposing syndrome. Last evaluated: 2019-06-25. Review status: criteria provided, single submitter. Criteria: ACMG Guidelines, 2015. Collection method: clinical testing. Allele origin: germline.

Ambry Genetics
Classification: Likely benign for Hereditary cancer-predisposing syndrome. Last evaluated: 2014-06-12. Review status: criteria provided, single submitter. Criteria: Ambry Variant Classification Scheme 2023. Collection method: clinical testing. Allele origin: germline.

PreventionGenetics, part of Exact Sciences
Classification: Likely benign for STK11-related condition. Last evaluated: 2019-10-15. Review status: no assertion criteria provided. Collection method: clinical testing. Allele origin: germline. Not counted in ClinVar's aggregate classification.
Comment: This variant is classified as likely benign based on ACMG/AMP sequence variant interpretation guidelines (Richards et al. 2015 PMID: 25741868, with internal and published modifications).